The following is an entry in ClinVar:

NM_000083.3(CLCN1):c.2048A>C (p.Glu683Ala)

Genes: CLCN1 (chloride voltage-gated channel 1; plus strand), LOC123956257 (Sharpr-MPRA regulatory region 4117; plus strand). Cytogenetic location: 7q34.
Variant type: single nucleotide variant.
Coding change: c.2048A>C on transcript NM_000083.3 (MANE Select); coding-DNA position 2048, A replaced by C.
Protein change: p.Glu683Ala; replaces glutamic acid 683 with alanine.
Molecular consequence: missense variant. On other transcripts: non-coding transcript variant (1).
Genome position (GRCh38, 1-based): chr7:143,345,638, A>C. VCF-style: chr7-143345638-A-C. GRCh37 (hg19) VCF-style: chr7-143042731-A-C.
Other names: short protein forms E683A.
Identifiers: ClinVar variation 2130343 (VCV002130343.4), dbSNP rs2485435070, ClinGen allele CA369650104.

ClinVar aggregate classification (germline): Uncertain significance (1 of 4 stars; one submission).

Conditions:
Congenital myotonia, autosomal recessive form. Also called: BECKER DISEASE; Becker Generalized Myotonia; myotonia congenita, autosomal recessive. Identifiers: Orphanet 614, MedGen C0751360, MONDO:0009715, OMIM 255700.
Congenital myotonia, autosomal dominant form (THD). Also called: THOMSEN DISEASE; Myotonia congenita autosomal dominant. Identifiers: Orphanet 614, MedGen C2936781, MONDO:0008055, OMIM 160800.

Submission:

Labcorp Genetics (formerly Invitae), Labcorp
Classification: Uncertain significance for Congenital myotonia, autosomal recessive form; Congenital myotonia, autosomal dominant form. Last evaluated: 2022-11-08. Review status: criteria provided, single submitter. Criteria: Invitae Variant Classification Sherloc (09022015). Collection method: clinical testing. Allele origin: germline.
Comment: In summary, the available evidence is currently insufficient to determine the role of this variant in disease. Therefore, it has been classified as a Variant of Uncertain Significance. Advanced modeling of protein sequence and biophysical properties (such as structural, functional, and spatial information, amino acid conservation, physicochemical variation, residue mobility, and thermodynamic stability) has been performed at Invitae for this missense variant, however the output from this modeling did not meet the statistical confidence thresholds required to predict the impact of this variant on CLCN1 protein function. This variant has not been reported in the literature in individuals affected with CLCN1-related conditions. This variant is not present in population databases (gnomAD no frequency). This sequence change replaces glutamic acid, which is acidic and polar, with alanine, which is neutral and non-polar, at codon 683 of the CLCN1 protein (p.Glu683Ala).